The following is an entry in ClinVar:

ClinVar aggregate classification (germline): Likely benign (1 of 4 stars; one submission).

Conditions:
Atypical hemolytic-uremic syndrome. Identifiers: Orphanet 2134, MedGen C2931788, MONDO:0016244.
Age related macular degeneration 4. Identifiers: MedGen C1853147, MONDO:0012540, OMIM 610698.
Basal laminar drusen. Also called: DRUSEN OF BRUCH MEMBRANE; DRUSEN, CUTICULAR; DRUSEN, EARLY ADULT-ONSET, GROUPED. Identifiers: Orphanet 75376, MedGen C0730295, MONDO:0007472, OMIM 126700.
Factor H deficiency (CFHD). Also called: COMPLEMENT FACTOR H DEFICIENCY; CFH DEFICIENCY. Identifiers: Orphanet 200421, MedGen C0398777, MONDO:0012350, OMIM 609814.

gnomAD v4.1: 96 of 152,158 alleles (0.063%); highest among the groups gnomAD compares: East Asian, 1.8%; 2 homozygotes.

Submission:

Genomenon, Inc
Classification: Likely benign for Age related macular degeneration 4; Atypical hemolytic-uremic syndrome; Factor H deficiency; Basal laminar drusen. Last evaluated: 2026-09-17. Review status: criteria provided, single submitter. Criteria: Genomenon Sequence Variant Interpretation Standards - Updated. Collection method: curation. Allele origin: germline. Affected: no.
Comment: CFH c.350+175C>A is an intronic variant located in intron 3. This variant has been reported in the published literature (PMID: 18421087). This variant is not predicted to impact splicing. In conclusion, we classify CFH c.350+175C>A as a likely benign variant.

Literature cited by the submitters: PubMed 18421087.

NM_000186.4(CFH):c.350+175C>A

Gene: CFH (complement factor H; plus strand). Cytogenetic location: 1q31.3.
Variant type: single nucleotide variant.
Coding change: c.350+175C>A on transcript NM_000186.4 (MANE Select); 175 bases into the intron after coding-DNA position 350, C replaced by A.
Molecular consequence: intron variant.
Genome position (GRCh38, 1-based): chr1:196,674,137, C>A. VCF-style: chr1-196674137-C-A. GRCh37 (hg19) VCF-style: chr1-196643267-C-A.
Other names: c.350+175C>A (NM_001014975.3).
Identifiers: ClinVar variation 4291672 (VCV004291672.2).